The following is an entry in ClinVar:

ClinVar aggregate classification (germline): Uncertain significance (1 of 4 stars; one submission).

Conditions:
Lethal multiple pterygium syndrome (LMPS). Identifiers: Orphanet 33108, MedGen C1854678, MONDO:0009668, OMIM 253290.

Submission:

Labcorp Genetics (formerly Invitae), Labcorp
Classification: Uncertain significance for Lethal multiple pterygium syndrome. Last evaluated: 2022-12-03. Review status: criteria provided, single submitter. Criteria: Invitae Variant Classification Sherloc (09022015). Collection method: clinical testing. Allele origin: germline.
Comment: In summary, the available evidence is currently insufficient to determine the role of this variant in disease. Therefore, it has been classified as a Variant of Uncertain Significance. Advanced modeling of protein sequence and biophysical properties (such as structural, functional, and spatial information, amino acid conservation, physicochemical variation, residue mobility, and thermodynamic stability) performed at Invitae indicates that this missense variant is not expected to disrupt CHRNA1 protein function. This variant has not been reported in the literature in individuals affected with CHRNA1-related conditions. This variant is not present in population databases (gnomAD no frequency). This sequence change replaces threonine, which is neutral and polar, with isoleucine, which is neutral and non-polar, at codon 139 of the CHRNA1 protein (p.Thr139Ile).

NM_000079.4(CHRNA1):c.416C>T (p.Thr139Ile)

Gene: CHRNA1 (cholinergic receptor nicotinic alpha 1 subunit; minus strand). Cytogenetic location: 2q31.1.
Variant type: single nucleotide variant.
Coding change: c.416C>T on transcript NM_000079.4 (MANE Select); coding-DNA position 416, C replaced by T.
Protein change: p.Thr139Ile; replaces threonine 139 with isoleucine.
Molecular consequence: missense variant.
Genome position (GRCh38, 1-based): chr2:174,754,343, G>A on the plus strand (C>T on the coding strand, the complement: CHRNA1 is on the minus strand). VCF-style: chr2-174754343-G-A. GRCh37 (hg19) VCF-style: chr2-175619071-G-A.
Other names: c.491C>T, p.Thr164Ile (NM_001039523.3); short protein forms T164I, T139I.
Identifiers: ClinVar variation 2902673 (VCV002902673.3), dbSNP rs2468895228, ClinGen allele CA349341435.